The following is an entry in ClinVar:

NM_006554.5(MTX2):c.135+2T>C

Gene: MTX2 (metaxin 2; plus strand). Cytogenetic location: 2q31.1.
Variant type: single nucleotide variant.
Coding change: c.135+2T>C on transcript NM_006554.5 (MANE Select); the canonical splice donor site of the intron after coding-DNA position 135, T replaced by C.
Molecular consequence: splice donor variant.
Genome position (GRCh38, 1-based): chr2:176,297,897, T>C. VCF-style: chr2-176297897-T-C. GRCh37 (hg19) VCF-style: chr2-177162625-T-C.
Other names: c.105+2T>C (NM_001006635.3); c.135+2T>C (NM_001319098.2, NM_001319097.2).
Identifiers: ClinVar variation 2627385 (VCV002627385.1), dbSNP rs936892236, ClinGen allele CA349695444.
Genomic context (GRCh38, chr2:176,297,897, plus strand): 5'-GTATTTCCACAGGGGAGCAAATTTTACTTTCTGACAATGCAGCTTCTCTTGCAGTGCAGG[T>C]AAATATGTAAATAATGTAATATCTTTTTCACCCCCTAGGTGGTTTGCATCATTTTGACTT-3'

ClinVar aggregate classification (germline): Likely pathogenic (1 of 4 stars; one submission).

Conditions:
Mandibuloacral dysplasia progeroid syndrome. Identifiers: Orphanet 647667, MedGen C5436867, MONDO:0030880, OMIM 619127.

Submission:

Neuberg Centre For Genomic Medicine, NCGM
Classification: Likely pathogenic for Mandibuloacral dysplasia progeroid syndrome. Review status: criteria provided, single submitter. Criteria: ACMG Guidelines, 2015. Collection method: clinical testing. Allele origin: germline. Inheritance: Autosomal recessive inheritance. Affected: yes.
Comment: The splice donor variant c.135+2T>C in MTX2 (NM_006554.5) has not been reported previously as a pathogenic variant nor as a benign variant, to our knowledge. The c.135+2T>C variant is novel (not in any individuals) in gnomAD Exomes and is novel (not in any individuals) in 1000 Genomes. This variant affects an invariant splice nucelotide and is predicted to undergo protein truncation. Loss of function variants have been reported to be disease causing. For these reasons, this variant has been classified as Likely Pathogenic.